The following is an entry in ClinVar:

NM_000070.3(CAPN3):c.294C>G (p.Val98=)

Gene: CAPN3 (calpain 3; plus strand). Cytogenetic location: 15q15.1.
Variant type: single nucleotide variant.
Coding change: c.294C>G on transcript NM_000070.3 (MANE Select); coding-DNA position 294, C replaced by G.
Protein change: p.Val98=; no amino-acid change (valine 98 retained).
Molecular consequence: synonymous variant.
Genome position (GRCh38, 1-based): chr15:42,360,099, C>G. VCF-style: chr15-42360099-C-G. GRCh37 (hg19) VCF-style: chr15-42652297-C-G.
Other names: c.294C>G, p.Val98= (NM_024344.2, NM_173087.2).
Identifiers: ClinVar variation 680344 (VCV000680344.13), dbSNP rs147493037, ClinGen allele CA7510891.

ClinVar aggregate classification (germline): Likely benign. Review status: criteria provided, multiple submitters, no conflicts (2 of 4 stars). 3 submissions from 3 submitters: Likely benign (3). Last evaluated 2025-12-24.

Conditions:
Autosomal recessive limb-girdle muscular dystrophy type 2A (LGMDR1). Also called: LEYDEN-MOEBIUS MUSCULAR DYSTROPHY; MUSCULAR DYSTROPHY, PELVOFEMORAL; Muscular dystrophy, limb-girdle, type 2A, Amish; Limb-girdle muscular dystrophy, type 2A; Calpainopathy. Identifiers: Orphanet 267, MedGen C1869123, MONDO:0009675, OMIM 253600. Disease mechanism: loss of function.

Allele frequency attached by ClinVar (database versions not stated): 1000 Genomes Project 30x 0.00016; 1000 Genomes Project 0.00020; ESP Exome Variant Server 0.00023; gnomAD 0.00031 and 0.00034; TOPMed 0.00038.
gnomAD v4.1: 82 of 1,614,200 alleles (0.0051%); highest among the groups gnomAD compares: African/African-American, 0.097%; no homozygotes.

Submissions (3):

Labcorp Genetics (formerly Invitae), Labcorp
Classification: Likely benign for Autosomal recessive limb-girdle muscular dystrophy type 2A. Last evaluated: 2025-12-24. Review status: criteria provided, single submitter. Criteria: Invitae Variant Classification Sherloc (09022015). Collection method: clinical testing. Allele origin: germline.

Blueprint Genetics
Classification: Likely benign. Last evaluated: 2023-06-20. Review status: criteria provided, single submitter. Criteria: ACMG Guidelines, 2015. Collection method: clinical testing. Allele origin: germline.

GeneDx
Classification: Likely benign. Last evaluated: 2018-03-20. Review status: criteria provided, single submitter. Criteria: GeneDx Variant Classification (06012015). Collection method: clinical testing. Allele origin: germline. Affected: yes.
Comment: This variant is considered likely benign or benign based on one or more of the following criteria: it is a conservative change, it occurs at a poorly conserved position in the protein, it is predicted to be benign by multiple in silico algorithms, and/or has population frequency not consistent with disease.